The following is an entry in ClinVar:

NM_031372.4(HNRNPDL):c.73C>G (p.Arg25Gly)

Gene: HNRNPDL (heterogeneous nuclear ribonucleoprotein D like; minus strand). Cytogenetic location: 4q21.22.
Variant type: single nucleotide variant.
Coding change: c.73C>G on transcript NM_031372.4 (MANE Select); coding-DNA position 73, C replaced by G.
Protein change: p.Arg25Gly; replaces arginine 25 with glycine.
Molecular consequence: missense variant. On other transcripts: non-coding transcript variant (1).
Genome position (GRCh38, 1-based): chr4:82,429,618, G>C on the plus strand (C>G on the coding strand, the complement: HNRNPDL is on the minus strand). VCF-style: chr4-82429618-G-C. GRCh37 (hg19) VCF-style: chr4-83350771-G-C.
Other names: c.73C>G, p.Arg25Gly (NM_001207000.1); short protein forms R25G.
Identifiers: ClinVar variation 1063451 (VCV001063451.9), dbSNP rs926280562, ClinGen allele CA100599678.

ClinVar aggregate classification (germline): Uncertain significance (1 of 4 stars; one submission).

Conditions:
Autosomal dominant limb-girdle muscular dystrophy type 1G (LGMDD3). Also called: Limb-girdle muscular dystrophy, type 1G; MUSCULAR DYSTROPHY, LIMB-GIRDLE, AUTOSOMAL DOMINANT 3. Identifiers: Orphanet 55596, MedGen C1836765, MONDO:0012193, OMIM 609115.

Allele frequency attached by ClinVar (database versions not stated): gnomAD exomes below 0.00001.
gnomAD v4.1: 3 of 1,380,890 alleles (0.00022%); highest among the groups gnomAD compares: Non-Finnish European, 0.00028%; no homozygotes.

Submission:

Labcorp Genetics (formerly Invitae), Labcorp
Classification: Uncertain significance for Autosomal dominant limb-girdle muscular dystrophy type 1G. Last evaluated: 2025-02-09. Review status: criteria provided, single submitter. Criteria: Invitae Variant Classification Sherloc (09022015). Collection method: clinical testing. Allele origin: germline.
Comment: This sequence change replaces arginine, which is basic and polar, with glycine, which is neutral and non-polar, at codon 25 of the HNRNPDL protein (p.Arg25Gly). This variant is not present in population databases (gnomAD no frequency). This variant has not been reported in the literature in individuals affected with HNRNPDL-related conditions. ClinVar contains an entry for this variant (Variation ID: 1063451). An algorithm developed to predict the effect of missense changes on protein structure and function (PolyPhen-2) suggests that this variant is likely to be tolerated. In summary, the available evidence is currently insufficient to determine the role of this variant in disease. Therefore, it has been classified as a Variant of Uncertain Significance.